The following is an entry in ClinVar:

ClinVar aggregate classification (germline): Conflicting classifications of pathogenicity. Review status: criteria provided, conflicting classifications (1 of 4 stars). 2 submissions from 2 submitters: Uncertain significance (1); Likely benign (1). Last evaluated 2024-04-16.

Conditions:
Glycine encephalopathy. Also called: Nonketotic hyperglycinemia; Non-ketotic hyperglycinemia. Identifiers: Orphanet 407, MedGen C0751748, MONDO:0011612, HP:0008288.

Allele frequency attached by ClinVar (database versions not stated): gnomAD exomes below 0.00001; TOPMed 0.00002.
gnomAD v4.1: 2 of 1,571,974 alleles (0.00013%); highest among the groups gnomAD compares: Admixed American, 0.0033%; no homozygotes.

Submissions (2):

Labcorp Genetics (formerly Invitae), Labcorp
Classification: Likely benign for Glycine encephalopathy. Last evaluated: 2024-04-16. Review status: criteria provided, single submitter. Criteria: Invitae Variant Classification Sherloc (09022015). Collection method: clinical testing. Allele origin: germline.

Center for Genomics, Ann and Robert H. Lurie Children's Hospital of Chicago
Classification: Uncertain significance for Glycine encephalopathy 1. Last evaluated: 2021-08-31. Review status: criteria provided, single submitter. Criteria: ACMG Guidelines, 2015. Collection method: clinical testing. Allele origin: germline.
Comment: GLDC NM_000170.2 intron 21 c.2569+8T>G: This variant has not been reported in the literature but is present in 0.003% (1/34592) of Latino alleles in the Genome Aggregation Database. This variant is present in ClinVar (Variation ID:1148885). Evolutionary conservation and computational predictive tools for this variant are limited or unavailable. This variant is an intronic variant with no predicted change in the amino acid sequence but may have an unknown effect on splicing. Splice prediction tools do not suggest that this variant alters splicing. However, further studies are needed to understand its impact. In summary, data on this variant is insufficient for disease classification. Therefore, the clinical significance of this variant is uncertain.

NM_000170.3(GLDC):c.2569+8T>G

Gene: GLDC (glycine decarboxylase; minus strand). Cytogenetic location: 9p24.1.
Variant type: single nucleotide variant.
Coding change: c.2569+8T>G on transcript NM_000170.3 (MANE Select); 8 bases into the intron after coding-DNA position 2569, T replaced by G.
Molecular consequence: intron variant.
Genome position (GRCh38, 1-based): chr9:6,550,795, A>C on the plus strand (T>G on the coding strand, the complement: GLDC is on the minus strand). VCF-style: chr9-6550795-A-C. GRCh37 (hg19) VCF-style: chr9-6550795-A-C.
Identifiers: ClinVar variation 1148885 (VCV001148885.10), dbSNP rs894742250, ClinGen allele CA188649071.
Genomic context (GRCh38, chr9:6,550,795, plus strand): 5'-CATCTAGGTCAAACTTAGTTTGGCCAAGAAAAAAACCAAAGTAATGATAGATTAAAGTTG[A>C]TACTTGCCTCTTGCACCCCTGAAAAGAATTCTGTAGTGTGTTTCTAATCGCTTGGCCATG-3'